The following is an entry in ClinVar:

ClinVar aggregate classification (germline): Uncertain significance (1 of 4 stars; one submission).

Conditions:
Inborn genetic diseases. Identifiers: MedGen C0950123, MeSH D030342.

Submission:

Ambry Genetics
Classification: Uncertain significance for Inborn genetic diseases. Last evaluated: 2026-09-11. Review status: criteria provided, single submitter. Criteria: Ambry Variant Classification Scheme 2023. Collection method: clinical testing. Allele origin: germline.
Comment: The p.V343A variant (also known as c.1028T>C), located in coding exon 1 of the SAMD9 gene, results from a T to C substitution at nucleotide position 1028. The valine at codon 343 is replaced by alanine, an amino acid with similar properties. This amino acid position is conserved. In addition, this alteration is predicted to be tolerated by in silico analysis. Based on the available evidence, the clinical significance of this variant remains unclear.

NM_017654.4(SAMD9):c.1028T>C (p.Val343Ala)

Gene: SAMD9 (sterile alpha motif domain containing 9; minus strand). Cytogenetic location: 7q21.2.
Variant type: single nucleotide variant.
Coding change: c.1028T>C on transcript NM_017654.4 (MANE Select); coding-DNA position 1028, T replaced by C.
Protein change: p.Val343Ala; replaces valine 343 with alanine.
Molecular consequence: missense variant.
Genome position (GRCh38, 1-based): chr7:93,105,070, A>G on the plus strand (T>C on the coding strand, the complement: SAMD9 is on the minus strand). VCF-style: chr7-93105070-A-G. GRCh37 (hg19) VCF-style: chr7-92734383-A-G.
Other names: c.1028T>C, p.Val343Ala (NM_001193307.2); short protein forms V343A.
Identifiers: ClinVar variation 5028825 (VCV005028825.1).